The following is an entry in ClinVar:

NM_001943.5(DSG2):c.3281G>A (p.Gly1094Asp)

Genes: DSG2 (desmoglein 2; plus strand), DSG2-AS1 (DSG2 antisense RNA 1; minus strand). Cytogenetic location: 18q12.1.
Variant type: single nucleotide variant.
Coding change: c.3281G>A on transcript NM_001943.5 (MANE Select); coding-DNA position 3281, G replaced by A.
Protein change: p.Gly1094Asp; replaces glycine 1094 with aspartic acid.
Molecular consequence: missense variant.
Genome position (GRCh38, 1-based): chr18:31,546,667, G>A. VCF-style: chr18-31546667-G-A. GRCh37 (hg19) VCF-style: chr18-29126630-G-A.
Other names: c.3281G>A (LRG_397t1); short protein forms G1094D.
Identifiers: ClinVar variation 580912 (VCV000580912.9), dbSNP rs144313973, ClinGen allele CA402149245.
Genomic context (GRCh38, chr18:31,546,667, plus strand): 5'-CCACGGTGTCTGGAGCTGGAGTCCCTGGCCCTCTGCCAGATTTTGGTTTAGAGGAATCTG[G>A]TCATTCTAATTCTACCATAACCACATCTTCCACCAGAGTTACCAAGCATAGCACTGTACA-3'
Protein context (NP_001934.2, residues 1084-1104): PLPDFGLEES[Gly1094Asp]HSNSTITTSS

ClinVar aggregate classification (germline): Uncertain significance. Review status: criteria provided, multiple submitters, no conflicts (2 of 4 stars). 2 submissions from 2 submitters: Uncertain significance (2). Last evaluated 2024-12-11.

Conditions:
Cardiomyopathy (CMYO). Also called: Cardiomyopathies. Identifiers: Orphanet 167848, MedGen C0878544, MONDO:0004994, HP:0001638. Inheritance: Various modes of inheritance.
Arrhythmogenic right ventricular dysplasia 10. Also called: Arrhythmogenic Right Ventricular Dysplasia/Cardiomyopathy10; ARRHYTHMOGENIC RIGHT VENTRICULAR DYSPLASIA, FAMILIAL, 10; Arrhythmogenic right ventricular dysplasia/cardiomyopathy, type 10. Identifiers: MedGen C1857777, MONDO:0012434, OMIM 610193.

gnomAD v4.1: 5 of 1,614,176 alleles (0.00031%); highest among the groups gnomAD compares: Non-Finnish European, 0.00042%; no homozygotes.

Submissions (2):

Labcorp Genetics (formerly Invitae), Labcorp
Classification: Uncertain significance for Arrhythmogenic right ventricular dysplasia 10. Last evaluated: 2024-12-11. Review status: criteria provided, single submitter. Criteria: Invitae Variant Classification Sherloc (09022015). Collection method: clinical testing. Allele origin: germline.
Comment: This sequence change replaces glycine, which is neutral and non-polar, with aspartic acid, which is acidic and polar, at codon 1094 of the DSG2 protein (p.Gly1094Asp). This variant is present in population databases (no rsID available, gnomAD 0.0009%). This variant has not been reported in the literature in individuals affected with DSG2-related conditions. ClinVar contains an entry for this variant (Variation ID: 580912). Invitae Evidence Modeling of protein sequence and biophysical properties (such as structural, functional, and spatial information, amino acid conservation, physicochemical variation, residue mobility, and thermodynamic stability) indicates that this missense variant is not expected to disrupt DSG2 protein function with a negative predictive value of 95%. In summary, the available evidence is currently insufficient to determine the role of this variant in disease. Therefore, it has been classified as a Variant of Uncertain Significance.

Color Diagnostics, LLC DBA Color Health
Classification: Uncertain significance for Cardiomyopathy. Last evaluated: 2022-11-16. Review status: criteria provided, single submitter. Criteria: ACMG Guidelines, 2015. Collection method: clinical testing. Allele origin: germline.
Comment: This missense variant replaces glycine with aspartic acid at codon 1094 of the DSG2 protein. Computational prediction suggests that this variant may not impact protein structure and function (internally defined REVEL score threshold <= 0.5, PMID: 27666373). To our knowledge, functional studies have not been reported for this variant. This variant has not been reported in individuals affected with DSG2-related disorders in the literature. This variant has been identified in 1/249220 chromosomes in the general population by the Genome Aggregation Database (gnomAD). The available evidence is insufficient to determine the role of this variant in disease conclusively. Therefore, this variant is classified as a Variant of Uncertain Significance.